The following is an entry in ClinVar:

ClinVar aggregate classification (germline): Likely benign. Review status: reviewed by expert panel (3 of 4 stars). 8 submissions from 8 submitters: Likely benign (1). 7 of the submissions do not count toward it. Last evaluated 2017-06-29.

Conditions:
BRCA2-related cancer predisposition. Identifiers: MedGen CN377758, MONDO:0700269.
Breast-ovarian cancer, familial, susceptibility to, 2 (BROVCA2). Also called: BRCA2 Hereditary Breast and Ovarian Cancer. Identifiers: Orphanet 145, MedGen C2675520, MONDO:0012933, OMIM 612555. Disease mechanism: loss of function.
Familial cancer of breast. Also called: BREAST CANCER, FAMILIAL; hereditary breast carcinoma; Hereditary breast cancer. Identifiers: Orphanet 227535, MedGen C0346153, MONDO:0016419, OMIM 114480. Disease mechanism: loss of function.
Hereditary breast ovarian cancer syndrome. Also called: Breast and ovarian cancer; BRCA1- and BRCA2-Associated Hereditary Breast and Ovarian Cancer; Hereditary breast and ovarian cancer; Hereditary breast and ovarian cancer syndrome (HBOC); Hereditary breast and ovarian cancer syndrome; Hereditary breast and/or ovarian cancer syndrome. Identifiers: Orphanet 145, MedGen C0677776, MeSH D061325, MONDO:0003582. Disease mechanism: loss of function.
Hereditary cancer-predisposing syndrome. Also called: Tumor predisposition; Hereditary Cancer Syndrome; Hereditary neoplastic syndrome; Neoplastic Syndromes, Hereditary. Identifiers: Orphanet 140162, MedGen C0027672, MeSH D009386, MONDO:0015356.

Allele frequency attached by ClinVar (database versions not stated): gnomAD below 0.00001 and 0.00002; gnomAD exomes 0.00002 and 0.00006; ExAC 0.00009; 1000 Genomes Project 0.00020; 1000 Genomes Project 30x 0.00031.
gnomAD v4.1: 39 of 1,614,004 alleles (0.0024%); highest among the groups gnomAD compares: South Asian, 0.04%; no homozygotes.

Submissions (8):

Evidence-based Network for the Interpretation of Germline Mutant Alleles (ENIGMA)
Classification: Likely benign for Breast-ovarian cancer, familial, susceptibility to, 2. Last evaluated: 2017-06-29. Review status: reviewed by expert panel. Criteria: ENIGMA BRCA1/2 Classification Criteria (2017-06-29). Collection method: curation. Allele origin: germline.
Comment: Synonymous substitution variant, with low bioinformatic likelihood to result in a splicing aberration (Splicing prior probability 0.02).

Labcorp Genetics (formerly Invitae), Labcorp
Classification: Likely benign for Hereditary breast ovarian cancer syndrome. Last evaluated: 2025-12-23. Review status: criteria provided, single submitter. Criteria: Invitae Variant Classification Sherloc (09022015). Collection method: clinical testing. Allele origin: germline. Not counted in ClinVar's aggregate classification.

Women's Health and Genetics/Laboratory Corporation of America, LabCorp
Classification: Likely benign. Last evaluated: 2024-12-06. Review status: criteria provided, single submitter. Criteria: LabCorp Variant Classification Summary - May 2015. Collection method: clinical testing. Allele origin: germline. Not counted in ClinVar's aggregate classification.

Blueprint Genetics
Classification: Likely benign. Last evaluated: 2024-07-01. Review status: criteria provided, single submitter. Criteria: ACMG Guidelines, 2015. Collection method: clinical testing. Allele origin: germline. Not counted in ClinVar's aggregate classification.

All of Us Research Program, National Institutes of Health
Classification: Likely benign for BRCA2-related cancer predisposition. Last evaluated: 2024-03-24. Review status: criteria provided, single submitter. Criteria: ACMG Guidelines, 2015. Collection method: clinical testing. Allele origin: germline. Inheritance: Autosomal dominant inheritance. Observed: 3 variant alleles, 3 heterozygotes. Not counted in ClinVar's aggregate classification.
Comment: This study involves interpretation of variants in research participants for the purpose of population health screening. Participant phenotype was not available at the time of variant classification. Additional details can be found in publication PMID: 35346344, PMCID: PMC8962531

Department of Pathology and Laboratory Medicine, Sinai Health System
Classification: Likely benign for Familial cancer of breast; Breast-ovarian cancer, familial, susceptibility to, 2. Last evaluated: 2020-02-10. Review status: criteria provided, single submitter. Criteria: ACMG Guidelines, 2015. Collection method: clinical testing. Allele origin: germline. Affected: yes. Not counted in ClinVar's aggregate classification.

Ambry Genetics
Classification: Likely benign for Hereditary cancer-predisposing syndrome. Last evaluated: 2018-07-05. Review status: criteria provided, single submitter. Criteria: Ambry Variant Classification Scheme 2023. Collection method: clinical testing. Allele origin: germline. Not counted in ClinVar's aggregate classification.

Color Diagnostics, LLC DBA Color Health
Classification: Likely benign for Hereditary cancer-predisposing syndrome. Last evaluated: 2017-09-26. Review status: criteria provided, single submitter. Criteria: ACMG Guidelines, 2015. Collection method: clinical testing. Allele origin: germline. Not counted in ClinVar's aggregate classification.

NM_000059.4(BRCA2):c.5901G>A (p.Lys1967=)

Gene: BRCA2 (BRCA2 DNA repair associated; plus strand). Cytogenetic location: 13q13.1.
Variant type: single nucleotide variant.
Coding change: c.5901G>A on transcript NM_000059.4 (MANE Select); coding-DNA position 5901, G replaced by A.
Protein change: p.Lys1967=; no amino-acid change (lysine 1967 retained).
Molecular consequence: synonymous variant.
Genome position (GRCh38, 1-based): chr13:32,340,256, G>A. VCF-style: chr13-32340256-G-A. GRCh37 (hg19) VCF-style: chr13-32914393-G-A.
Identifiers: ClinVar variation 427440 (VCV000427440.25), dbSNP rs556893517, ClinGen allele CA6940910.